The following is an entry in ClinVar:

NM_001042492.3(NF1):c.1623del (p.Ile541fs)

Gene: NF1 (neurofibromin 1; plus strand). Cytogenetic location: 17q11.2.
Variant type: Deletion.
Coding change: c.1623del on transcript NM_001042492.3 (MANE Select); coding-DNA position 1623, one base deleted (T; older notation c.1623delT).
Protein change: p.Ile541fs; shifts the reading frame from isoleucine 541.
Molecular consequence: frameshift variant.
Genome position (GRCh38, 1-based): chr17:31,219,100, T deleted; the last of 2 consecutive T bases (chr17:31,219,099-31,219,100); deleting either gives the same sequence. VCF-style (leftmost placement, unchanged base first): chr17-31219098-AT-A. GRCh37 (hg19) VCF-style: chr17-29546116-AT-A.
Other names: c.1623del, p.Ile541fs (NM_000267.4, NM_001128147.3); short protein forms I541fs.
Identifiers: ClinVar variation 4715268 (VCV004715268.1).

ClinVar aggregate classification (germline): Pathogenic (1 of 4 stars; one submission).

Conditions:
Neurofibromatosis, type 1 (NF1). Also called: VON RECKLINGHAUSEN DISEASE; Peripheral type neurofibromatosis; NEUROFIBROMATOSIS, TYPE I, SOMATIC; Neurofibromatosis, type I. Identifiers: Orphanet 636, MedGen C0027831, MONDO:0018975, OMIM 162200. Disease mechanism: loss of function.

Submission:

Labcorp Genetics (formerly Invitae), Labcorp
Classification: Pathogenic for Neurofibromatosis, type 1. Last evaluated: 2025-03-17. Review status: criteria provided, single submitter. Criteria: Invitae Variant Classification Sherloc (09022015). Collection method: clinical testing. Allele origin: germline.
Comment: This sequence change creates a premature translational stop signal (p.Ile541Metfs*15) in the NF1 gene. It is expected to result in an absent or disrupted protein product. Loss-of-function variants in NF1 are known to be pathogenic (PMID: 10712197, 23913538). This variant is not present in population databases (gnomAD no frequency). This variant has not been reported in the literature in individuals affected with NF1-related conditions. For these reasons, this variant has been classified as Pathogenic.

Literature cited by the submitters: PubMed 10712197; PubMed 23913538.